The following is an entry in ClinVar:

NM_001110556.2(FLNA):c.818C>G (p.Ala273Gly)

Gene: FLNA (filamin A; minus strand). Cytogenetic location: Xq28.
Variant type: single nucleotide variant.
Coding change: c.818C>G on transcript NM_001110556.2 (MANE Select); coding-DNA position 818, C replaced by G.
Protein change: p.Ala273Gly; replaces alanine 273 with glycine.
Molecular consequence: missense variant.
Genome position (GRCh38, 1-based): chrX:154,367,447, G>C on the plus strand (C>G on the coding strand, the complement: FLNA is on the minus strand). VCF-style: chrX-154367447-G-C. GRCh37 (hg19) VCF-style: chrX-153595815-G-C.
Other names: c.818C>G, p.Ala273Gly (NM_001456.4); short protein forms A273G.
Identifiers: ClinVar variation 4685274 (VCV004685274.2).

ClinVar aggregate classification (germline): Uncertain significance. Review status: criteria provided, multiple submitters, no conflicts (2 of 4 stars). 2 submissions from 2 submitters: Uncertain significance (2). Last evaluated 2026-01-06.

Conditions:
Familial thoracic aortic aneurysm and aortic dissection (TAAD). Also called: Thoracic aortic aneurysms and dissections. Identifiers: Orphanet 91387, MedGen C4707243, MONDO:0019625.

Submissions (2):

Ambry Genetics
Classification: Uncertain significance for Familial thoracic aortic aneurysm and aortic dissection. Last evaluated: 2026-01-06. Review status: criteria provided, single submitter. Criteria: Ambry Variant Classification Scheme 2023. Collection method: clinical testing. Allele origin: germline.
Comment: The p.A273G variant (also known as c.818C>G), located in coding exon 4 of the FLNA gene, results from a C to G substitution at nucleotide position 818. The alanine at codon 273 is replaced by glycine, an amino acid with similar properties. This amino acid position is conserved. In addition, the in silico prediction for this alteration is inconclusive. Based on the available evidence, the clinical significance of this variant remains unclear.

GeneDx
Classification: Uncertain significance. Last evaluated: 2025-07-10. Review status: criteria provided, single submitter. Criteria: GeneDx Variant Classification Process June 2021. Collection method: clinical testing. Allele origin: germline. Affected: yes.
Comment: Not observed at significant frequency in large population cohorts (gnomAD); In silico analysis supports that this missense variant has a deleterious effect on protein structure/function; Has not been previously published as pathogenic or benign to our knowledge